The following is an entry in ClinVar:

ClinVar aggregate classification (germline): Uncertain significance (1 of 4 stars; one submission).

Conditions:
TTN-related disorder. Also called: TTN-related disorders; TTN-related condition; TTN-related disease.

Submission:

PreventionGenetics, part of Exact Sciences
Classification: Uncertain significance for TTN-related condition. Last evaluated: 2026-01-22. Review status: criteria provided, single submitter. Criteria: ACMG Guidelines, 2015. Collection method: clinical testing. Allele origin: germline.
Comment: The TTN c.106243C>T variant is predicted to result in the amino acid substitution p.Pro35415Ser. To our knowledge, this variant has not been reported in the literature or in a large population database (gnomAD), indicating this variant is rare. At this time, the clinical significance of this variant is uncertain due to the absence of conclusive functional and genetic evidence.

NM_001267550.2(TTN):c.106243C>T (p.Pro35415Ser)

Genes: TTN (titin; minus strand), TTN-AS1 (TTN antisense RNA 1; plus strand). Cytogenetic location: 2q31.2.
Variant type: single nucleotide variant.
Coding change: c.106243C>T on transcript NM_001267550.2 (MANE Select); coding-DNA position 106243, C replaced by T.
Protein change: p.Pro35415Ser; replaces proline 35415 with serine.
Molecular consequence: missense variant.
Genome position (GRCh38, 1-based): chr2:178,530,372, G>A on the plus strand (C>T on the coding strand, the complement: TTN is on the minus strand). VCF-style: chr2-178530372-G-A. GRCh37 (hg19) VCF-style: chr2-179395099-G-A.
Other names: c.101320C>T, p.Pro33774Ser (NM_001256850.1); c.79048C>T, p.Pro26350Ser (NM_003319.4); c.98539C>T, p.Pro32847Ser (NM_133378.4); c.79423C>T, p.Pro26475Ser (NM_133432.3); c.79624C>T, p.Pro26542Ser (NM_133437.4); short protein forms P26350S, P26542S, P32847S, P26475S, P33774S, P35415S.
Identifiers: ClinVar variation 4983583 (VCV004983583.1).
Genomic context (GRCh38, chr2:178,530,372, plus strand): 5'-TGTCTGAAGAAACAGTTGTATCCTGCAACCCAGTAACAATTACTGGTTTTGAGGAAATTG[G>A]TTCAGGAGCTTTTGGTTCAGTTTTTCTGGTTACTGTTGACTCAGTGGTTTTCTGATCTGA-3'
Protein context (NP_001254479.2, residues 35405-35425): TRKTEPKAPE[Pro35415Ser]ISSKPVIVTG